The following is an entry in ClinVar:

NM_004370.6(COL12A1):c.5395-17G>A

Gene: COL12A1 (collagen type XII alpha 1 chain; minus strand). Cytogenetic location: 6q13.
Variant type: single nucleotide variant.
Coding change: c.5395-17G>A on transcript NM_004370.6 (MANE Select); 17 bases into the intron before coding-DNA position 5395, G replaced by A.
Molecular consequence: intron variant.
Genome position (GRCh38, 1-based): chr6:75,134,872, C>T on the plus strand (G>A on the coding strand, the complement: COL12A1 is on the minus strand). VCF-style: chr6-75134872-C-T. GRCh37 (hg19) VCF-style: chr6-75844588-C-T.
Other names: c.1903-17G>A (NM_001424116.1, NM_080645.3); c.5122-17G>A (NM_001424115.1); c.5374-17G>A (NM_001424114.1); c.5395-17G>A (NM_001424113.1).
Identifiers: ClinVar variation 2945391 (VCV002945391.3), dbSNP rs749057446, ClinGen allele CA3893140.

ClinVar aggregate classification (germline): Uncertain significance (1 of 4 stars; one submission).

Conditions:
Ullrich congenital muscular dystrophy 2 (UCMD2). Identifiers: Orphanet 75840, MedGen C4225314, MONDO:0014654, OMIM 616470.
Bethlem myopathy 2 (BTHLM2). Identifiers: Orphanet 536516, Orphanet 610, MedGen C4225313, MONDO:0034022, OMIM 616471.

Allele frequency attached by ClinVar (database versions not stated): gnomAD exomes below 0.00001; ExAC 0.00001.
gnomAD v4.1: 1 of 1,606,848 alleles (0.000062%); highest among the groups gnomAD compares: Non-Finnish European, 0.000085%; no homozygotes.

Submission:

Labcorp Genetics (formerly Invitae), Labcorp
Classification: Uncertain significance for Bethlem myopathy 2; Ullrich congenital muscular dystrophy 2. Last evaluated: 2023-04-09. Review status: criteria provided, single submitter. Criteria: Invitae Variant Classification Sherloc (09022015). Collection method: clinical testing. Allele origin: germline.
Comment: In summary, the available evidence is currently insufficient to determine the role of this variant in disease. Therefore, it has been classified as a Variant of Uncertain Significance. Algorithms developed to predict the effect of sequence changes on RNA splicing suggest that this variant may disrupt the consensus splice site. This variant has not been reported in the literature in individuals affected with COL12A1-related conditions. This variant is present in population databases (rs749057446, gnomAD 0.0009%). This sequence change falls in intron 31 of the COL12A1 gene. It does not directly change the encoded amino acid sequence of the COL12A1 protein.